The following is an entry in ClinVar:

NM_000268.4(NF2):c.481G>T (p.Gly161Ter)

Gene: NF2 (NF2, moesin-ezrin-radixin like (MERLIN) tumor suppressor; plus strand). Cytogenetic location: 22q12.2.
Variant type: single nucleotide variant.
Coding change: c.481G>T on transcript NM_000268.4 (MANE Select); coding-DNA position 481, G replaced by T.
Protein change: p.Gly161Ter; replaces glycine 161 with a stop codon.
Molecular consequence: nonsense. On other transcripts: non-coding transcript variant (1), intron variant (1).
Genome position (GRCh38, 1-based): chr22:29,654,690, G>T. VCF-style: chr22-29654690-G-T. GRCh37 (hg19) VCF-style: chr22-30050679-G-T.
Other names: c.481G>T, p.Gly161Ter (NM_016418.5, NM_181825.3, NM_181832.3); c.355G>T, p.Gly119Ter (NM_181828.3); c.358G>T, p.Gly120Ter (NM_181829.3); c.232G>T, p.Gly78Ter (NM_181830.3, NM_181831.3); c.447+12405G>T (NM_181833.3); short protein forms G119*, G120*, G161*, G78*.
Identifiers: ClinVar variation 1074395 (VCV001074395.7), dbSNP rs1303879665, ClinGen allele CA411142181.
Genomic context (GRCh38, chr22:29,654,690, plus strand): 5'-CGCCTGCTCTCCCTTTCTTCTTTCCAGTATGGTGACTACGACCCCAGTGTTCACAAGCGG[G>T]GATTTTTGGCCCAAGAGGAATTGCTTCCAAAAAGGGTAAGAGATTAAATTCCCTTTTCAG-3'

ClinVar aggregate classification (germline): Pathogenic (1 of 4 stars; one submission).

Conditions:
Neurofibromatosis, type 2 (SWNV). Also called: BILATERAL ACOUSTIC NEUROFIBROMATOSIS; SCHWANNOMATOSIS, VESTIBULAR; NF2-Related Schwannomatosis. Identifiers: Orphanet 637, MedGen C0027832, MONDO:0007039, OMIM 101000. Disease mechanism: loss of function.

Submission:

Labcorp Genetics (formerly Invitae), Labcorp
Classification: Pathogenic for Neurofibromatosis, type 2. Last evaluated: 2020-09-26. Review status: criteria provided, single submitter. Criteria: Invitae Variant Classification Sherloc (09022015). Collection method: clinical testing. Allele origin: germline.
Comment: This sequence change creates a premature translational stop signal (p.Gly161*) in the NF2 gene. It is expected to result in an absent or disrupted protein product. This variant is not present in population databases (ExAC no frequency). This variant has not been reported in the literature in individuals with NF2-related conditions. Algorithms developed to predict the effect of sequence changes on RNA splicing suggest that this variant may create or strengthen a splice site, but this prediction has not been confirmed by published transcriptional studies. Loss-of-function variants in NF2 are known to be pathogenic (PMID: 9643284, 16983642). For these reasons, this variant has been classified as Pathogenic.

Literature cited by the submitters: PubMed 9643284; PubMed 16983642.